The following is an entry in ClinVar:

NM_017871.6(INTS11):c.468C>T (p.Gly156=)

Gene: INTS11 (integrator complex subunit 11; minus strand). Cytogenetic location: 1p36.33.
Variant type: single nucleotide variant.
Coding change: c.468C>T on transcript NM_017871.6 (MANE Select); coding-DNA position 468, C replaced by T.
Protein change: p.Gly156=; no amino-acid change (glycine 156 retained).
Molecular consequence: synonymous variant.
Genome position (GRCh38, 1-based): chr1:1,315,580, G>A on the plus strand (C>T on the coding strand, the complement: INTS11 is on the minus strand). VCF-style: chr1-1315580-G-A. GRCh37 (hg19) VCF-style: chr1-1250960-G-A.
Other names: c.486C>T, p.Gly162= (NM_001256456.2); c.381C>T, p.Gly127= (NM_001256460.2); c.174C>T, p.Gly58= (NM_001256462.2); c.165C>T, p.Gly55= (NM_001256463.2).
Identifiers: ClinVar variation 4281200 (VCV004281200.7).

ClinVar aggregate classification (germline): Likely benign (1 of 4 stars; one submission).

gnomAD v4.1: 8 of 1,612,150 alleles (0.0005%); highest among the groups gnomAD compares: East Asian, 0.0045%; no homozygotes.

Submission:

CeGaT Center for Human Genetics Tuebingen
Classification: Likely benign. Last evaluated: 2025-09-01. Review status: criteria provided, single submitter. Criteria: CeGaT Center For Human Genetics Tuebingen Variant Classification Criteria Version 2. Collection method: clinical testing. Allele origin: germline. Affected: yes. Observed: 1 variant allele.
Comment: INTS11: BP4, BP7